The following is an entry in ClinVar:

NM_206933.4(USH2A):c.14926G>A (p.Gly4976Ser)

Gene: USH2A (usherin; minus strand). Cytogenetic location: 1q41.
Variant type: single nucleotide variant.
Coding change: c.14926G>A on transcript NM_206933.4 (MANE Select); coding-DNA position 14926, G replaced by A.
Protein change: p.Gly4976Ser; replaces glycine 4976 with serine.
Molecular consequence: missense variant.
Genome position (GRCh38, 1-based): chr1:215,640,600, C>T on the plus strand (G>A on the coding strand, the complement: USH2A is on the minus strand). VCF-style: chr1-215640600-C-T. GRCh37 (hg19) VCF-style: chr1-215813942-C-T.
Other names: short protein forms G4976S.
Identifiers: ClinVar variation 961823 (VCV000961823.11), dbSNP rs200761611, ClinGen allele CA1392884.
Genomic context (GRCh38, chr1:215,640,600, plus strand): 5'-CAGGAGTCAGAAACTAACTTTTGTCCGCCGTTCTCGGTATGTAGAGGGTGGTGTCCAAGC[C>T]GCTGTACACGCGTCGCCCTCCGTCGGTTAACACGTACTCCTTCAGTTGGCCGTTCAGGAG-3'
Protein context (NP_996816.3, residues 4966-4986): LTDGGRRVYS[Gly4976Ser]LDTTLYIPRT

ClinVar aggregate classification (germline): Conflicting classifications of pathogenicity. Review status: criteria provided, conflicting classifications (1 of 4 stars). 4 submissions from 4 submitters: Pathogenic (1); Likely pathogenic (1); Uncertain significance (1). 1 of the submissions does not count toward it. Last evaluated 2024-03-30.

Conditions:
Retinitis pigmentosa 39 (RP39). Identifiers: Orphanet 791, MedGen C3151138, MONDO:0013436, OMIM 613809.
Usher syndrome type 2A. Also called: RETINAL DISEASE IN USHER SYNDROME TYPE IIA, MODIFIER OF; USHER SYNDROME, TYPE IIA. Identifiers: Orphanet 231178, Orphanet 886, MedGen C1848634, MONDO:0010169, OMIM 276901.
USH2A-related disorder. Also called: USH2A-related disorders; USH2A-related condition. Identifiers: MedGen CN239332.

Allele frequency attached by ClinVar (database versions not stated): gnomAD exomes 0.00002 and 0.00004; ExAC 0.00005; gnomAD 0.00008; 1000 Genomes Project 30x 0.00016; 1000 Genomes Project 0.00020.
gnomAD v4.1: 36 of 1,613,728 alleles (0.0022%); highest among the groups gnomAD compares: Non-Finnish European, 0.0018%; no homozygotes.

Submissions (4):

Baylor Genetics
Classification: Likely pathogenic for Retinitis pigmentosa 39. Last evaluated: 2024-03-30. Review status: criteria provided, single submitter. Criteria: ACMG Guidelines, 2015. Collection method: clinical testing. Allele origin: unknown.

Blueprint Genetics
Classification: Pathogenic for USH2A-related disorders. Last evaluated: 2023-11-23. Review status: criteria provided, single submitter. Criteria: ACMG Guidelines, 2015. Collection method: clinical testing. Allele origin: germline. Affected: yes. Observed: 5 variant alleles.

Labcorp Genetics (formerly Invitae), Labcorp
Classification: Uncertain significance. Last evaluated: 2021-08-13. Review status: criteria provided, single submitter. Criteria: Invitae Variant Classification Sherloc (09022015). Collection method: clinical testing. Allele origin: germline.
Comment: This sequence change replaces glycine with serine at codon 4976 of the USH2A protein (p.Gly4976Ser). The glycine residue is highly conserved and there is a small physicochemical difference between glycine and serine. This variant is present in population databases (rs200761611, ExAC 0.03%). This missense change has been observed in individual(s) with retinitis pigmentosa (Invitae). Algorithms developed to predict the effect of missense changes on protein structure and function are either unavailable or do not agree on the potential impact of this missense change (SIFT: "Deleterious"; PolyPhen-2: "Probably Damaging"; Align-GVGD: "Class C0"). In summary, the available evidence is currently insufficient to determine the role of this variant in disease. Therefore, it has been classified as a Variant of Uncertain Significance.

Natera, Inc.
Classification: Uncertain significance for Usher syndrome type 2A. Last evaluated: 2021-05-12. Review status: no assertion criteria provided. Collection method: clinical testing. Allele origin: germline. Not counted in ClinVar's aggregate classification.